The following is an entry in ClinVar:

NM_001379500.1(COL18A1):c.107-11506G>C

Gene: COL18A1 (collagen type XVIII alpha 1 chain; plus strand). Cytogenetic location: 21q22.3.
Variant type: single nucleotide variant.
Coding change: c.107-11506G>C on transcript NM_001379500.1 (MANE Select); 11506 bases into the intron before coding-DNA position 107, G replaced by C.
Molecular consequence: intron variant. On other transcripts: synonymous variant (1).
Genome position (GRCh38, 1-based): chr21:45,456,736, G>C. VCF-style: chr21-45456736-G-C. GRCh37 (hg19) VCF-style: chr21-46876650-G-C.
Other names: c.1206G>C, p.Pro402= (NM_130444.3); c.646+560G>C (NM_030582.4); c.1206G>C (NM_130444.2).
Identifiers: ClinVar variation 2652793 (VCV002652793.26), dbSNP rs1014877461, ClinGen allele CA1022802607.

ClinVar aggregate classification (germline): Likely benign. Review status: criteria provided, multiple submitters, no conflicts (2 of 4 stars). 3 submissions from 3 submitters: Likely benign (2). 1 of the submissions does not count toward it. Last evaluated 2024-11-25.

Conditions:
COL18A1-related disorder. Also called: COL18A1-related disorders; COL18A1-related condition.

Submissions (3):

Blueprint Genetics
Classification: Likely benign. Last evaluated: 2024-11-25. Review status: criteria provided, single submitter. Criteria: ACMG Guidelines, 2015. Collection method: clinical testing. Allele origin: germline.

CeGaT Center for Human Genetics Tuebingen
Classification: Likely benign. Last evaluated: 2023-06-01. Review status: criteria provided, single submitter. Criteria: CeGaT Center For Human Genetics Tuebingen Variant Classification Criteria Version 2. Collection method: clinical testing. Allele origin: germline. Affected: yes. Observed: 1 variant allele.
Comment: COL18A1: BP4, BP7

PreventionGenetics, part of Exact Sciences
Classification: Likely benign for COL18A1-related condition. Last evaluated: 2020-06-25. Review status: no assertion criteria provided. Collection method: clinical testing. Allele origin: germline. Not counted in ClinVar's aggregate classification.
Comment: This variant is classified as likely benign based on ACMG/AMP sequence variant interpretation guidelines (Richards et al. 2015 PMID: 25741868, with internal and published modifications).